The following is an entry in ClinVar:

ClinVar aggregate classification (germline): Likely pathogenic. Review status: criteria provided, multiple submitters, no conflicts (2 of 4 stars). 2 submissions from 2 submitters: Likely pathogenic (2). Last evaluated 2025-11-13.

Conditions:
NPHP3-related Meckel-like syndrome. Also called: GOLDSTON SYNDROME; Meckel syndrome type 7. Identifiers: Orphanet 3032, MedGen C2673885, MONDO:0009966, OMIM 267010.
Renal-hepatic-pancreatic dysplasia 1 (RHPD1). Identifiers: MedGen C3715199, MONDO:0008833, OMIM 208540.
Nephronophthisis 3 (NPHP3). Also called: Adolescent nephronophthisis. Identifiers: Orphanet 655, MedGen C1858392, MONDO:0011456, OMIM 604387.
Nephronophthisis. Also called: Juvenile Nephronophthisis. Identifiers: Orphanet 655, MedGen C0687120, MONDO:0019005, HP:0000090.

Submissions (2):

Labcorp Genetics (formerly Invitae), Labcorp
Classification: Likely pathogenic for Nephronophthisis. Last evaluated: 2025-11-13. Review status: criteria provided, single submitter. Criteria: Invitae Variant Classification Sherloc (09022015). Collection method: clinical testing. Allele origin: germline.
Comment: This sequence change affects a donor splice site in intron 22 of the NPHP3 gene. It is expected to disrupt RNA splicing. Variants that disrupt the donor or acceptor splice site typically lead to a loss of protein function (PMID: 16199547), and loss-of-function variants in NPHP3 are known to be pathogenic (PMID: 18371931, 23559409). This variant is not present in population databases (gnomAD no frequency). This variant has not been reported in the literature in individuals affected with NPHP3-related conditions. ClinVar contains an entry for this variant (Variation ID: 3588525). Algorithms developed to predict the effect of sequence changes on RNA splicing suggest that this variant may disrupt the consensus splice site. In summary, the currently available evidence indicates that the variant is pathogenic, but additional data are needed to prove that conclusively. Therefore, this variant has been classified as Likely Pathogenic.

Fulgent Genetics
Classification: Likely pathogenic for Renal-hepatic-pancreatic dysplasia 1; NPHP3-related Meckel-like syndrome; Nephronophthisis 3. Last evaluated: 2024-05-17. Review status: criteria provided, single submitter. Criteria: ACMG Guidelines, 2015. Collection method: clinical testing. Allele origin: germline.

Literature cited by the submitters: PubMed 16199547 (cited by Labcorp Genetics (formerly Invitae), Labcorp); PubMed 18371931 (cited by Labcorp Genetics (formerly Invitae), Labcorp); PubMed 23559409 (cited by Labcorp Genetics (formerly Invitae), Labcorp).

NM_153240.5(NPHP3):c.3201+1G>T

Genes: NPHP3 (nephrocystin 3; minus strand), NPHP3-ACAD11 (NPHP3-ACAD11 readthrough (NMD candidate); minus strand). Cytogenetic location: 3q22.1.
Variant type: single nucleotide variant.
Coding change: c.3201+1G>T on transcript NM_153240.5 (MANE Select); the canonical splice donor site of the intron after coding-DNA position 3201, G replaced by T.
Molecular consequence: splice donor variant.
Genome position (GRCh38, 1-based): chr3:132,687,150, C>A on the plus strand (G>T on the coding strand, the complement: NPHP3 is on the minus strand). VCF-style: chr3-132687150-C-A. GRCh37 (hg19) VCF-style: chr3-132405994-C-A.
Identifiers: ClinVar variation 3588525 (VCV003588525.2).